The following is an entry in ClinVar:

ClinVar aggregate classification (germline): Uncertain significance (1 of 4 stars; one submission).

gnomAD v4.1: 5 of 1,613,926 alleles (0.00031%); highest among the groups gnomAD compares: African/African-American, 0.0067%; no homozygotes.

Submission:

GeneDx
Classification: Uncertain significance. Last evaluated: 2026-04-16. Review status: criteria provided, single submitter. Criteria: GeneDx Variant Classification Process June 2021. Collection method: clinical testing. Allele origin: germline.
Comment: Not observed at significant frequency in large population cohorts (gnomAD); In silico analysis supports that this missense variant has a deleterious effect on protein structure/function; This variant is associated with the following publications: (PMID: 28402605)

NM_025243.4(SLC19A3):c.56T>C (p.Leu19Pro)

Gene: SLC19A3 (solute carrier family 19 member 3; minus strand). Cytogenetic location: 2q36.3.
Variant type: single nucleotide variant.
Coding change: c.56T>C on transcript NM_025243.4 (MANE Select); coding-DNA position 56, T replaced by C.
Protein change: p.Leu19Pro; replaces leucine 19 with proline.
Molecular consequence: missense variant. On other transcripts: 5 prime UTR variant (2).
Genome position (GRCh38, 1-based): chr2:227,702,263, A>G on the plus strand (T>C on the coding strand, the complement: SLC19A3 is on the minus strand). VCF-style: chr2-227702263-A-G. GRCh37 (hg19) VCF-style: chr2-228566979-A-G.
Other names: c.56T>C, p.Leu19Pro (NM_001371411.1, NM_001371412.1); c.-153T>C (NM_001371413.1, NM_001371414.1); short protein forms L19P.
Identifiers: ClinVar variation 5037709 (VCV005037709.1).